The following is an entry in ClinVar:

ClinVar aggregate classification (germline): Uncertain significance. Review status: criteria provided, multiple submitters, no conflicts (2 of 4 stars). 3 submissions from 3 submitters: Uncertain significance (3). Last evaluated 2024-09-22.

Conditions:
Nephronophthisis 13 (NPHP13). Identifiers: Orphanet 655, MedGen C3280612, MONDO:0013718, OMIM 614377.
Spermatogenic failure 72 (SPGF72). Identifiers: MedGen C5676980, MONDO:0030809, OMIM 619867.
Asphyxiating thoracic dystrophy 5 (SRTD5). Also called: SHORT-RIB THORACIC DYSPLASIA 5 WITH OR WITHOUT POLYDACTYLY; SHORT-RIB THORACIC DYSPLASIA 5 WITHOUT POLYDACTYLY. Identifiers: Orphanet 474, MedGen C3280598, MONDO:0013717, OMIM 614376.
Cranioectodermal dysplasia 4 (CED4). Identifiers: Orphanet 1515, MedGen C3280616, MONDO:0013719, OMIM 614378.
Senior-Loken syndrome 8 (SLSN8). Identifiers: Orphanet 3156, MedGen C4225376, MONDO:0014579, OMIM 616307.

gnomAD v4.1: 8 of 1,605,324 alleles (0.0005%); highest among the groups gnomAD compares: African/African-American, 0.0027%; no homozygotes.

Submissions (3):

Labcorp Genetics (formerly Invitae), Labcorp
Classification: Uncertain significance for Senior-Loken syndrome 8; Asphyxiating thoracic dystrophy 5. Last evaluated: 2024-09-22. Review status: criteria provided, single submitter. Criteria: Invitae Variant Classification Sherloc (09022015). Collection method: clinical testing. Allele origin: germline.
Comment: This sequence change replaces arginine, which is basic and polar, with cysteine, which is neutral and slightly polar, at codon 1174 of the WDR19 protein (p.Arg1174Cys). This variant is present in population databases (rs755139948, gnomAD 0.01%). This variant has not been reported in the literature in individuals affected with WDR19-related conditions. Invitae Evidence Modeling of protein sequence and biophysical properties (such as structural, functional, and spatial information, amino acid conservation, physicochemical variation, residue mobility, and thermodynamic stability) indicates that this missense variant is not expected to disrupt WDR19 protein function with a negative predictive value of 80%. In summary, the available evidence is currently insufficient to determine the role of this variant in disease. Therefore, it has been classified as a Variant of Uncertain Significance.

Fulgent Genetics
Classification: Uncertain significance for Asphyxiating thoracic dystrophy 5; Nephronophthisis 13; Cranioectodermal dysplasia 4; Senior-Loken syndrome 8; Spermatogenic failure 72. Last evaluated: 2024-01-05. Review status: criteria provided, single submitter. Criteria: ACMG Guidelines, 2015. Collection method: clinical testing. Allele origin: germline.

Blueprint Genetics
Classification: Uncertain significance. Last evaluated: 2021-08-27. Review status: criteria provided, single submitter. Criteria: ACMG Guidelines, 2015. Collection method: clinical testing. Allele origin: germline.

NM_025132.4(WDR19):c.3520C>T (p.Arg1174Cys)

Gene: WDR19 (WD repeat domain 19; plus strand). Cytogenetic location: 4p14.
Variant type: single nucleotide variant.
Coding change: c.3520C>T on transcript NM_025132.4 (MANE Select); coding-DNA position 3520, C replaced by T.
Protein change: p.Arg1174Cys; replaces arginine 1174 with cysteine.
Molecular consequence: missense variant.
Genome position (GRCh38, 1-based): chr4:39,273,016, C>T. VCF-style: chr4-39273016-C-T. GRCh37 (hg19) VCF-style: chr4-39274636-C-T.
Other names: c.3040C>T, p.Arg1014Cys (NM_001317924.2); short protein forms R1014C, R1174C.
Identifiers: ClinVar variation 3590564 (VCV003590564.3).
Genomic context (GRCh38, chr4:39,273,016, plus strand): 5'-AGTAAAATATGTCATTTGTTTCAGATTCATGTTAAAAATGGAGATCACATGAAAGGGGCT[C>T]GCATGCTCATTCGGGTGGCCAACAACATCAGCAAATTTCCATCACGTAAGTACCACTGAC-3'
Protein context (NP_079408.3, residues 1164-1184): VKNGDHMKGA[Arg1174Cys]MLIRVANNIS